The following is an entry in ClinVar:

NM_032242.4(PLXNA1):c.164T>C (p.Val55Ala)

Gene: PLXNA1 (plexin A1; plus strand). Cytogenetic location: 3q21.3.
Variant type: single nucleotide variant.
Coding change: c.164T>C on transcript NM_032242.4 (MANE Select); coding-DNA position 164, T replaced by C.
Protein change: p.Val55Ala; replaces valine 55 with alanine.
Molecular consequence: missense variant.
Genome position (GRCh38, 1-based): chr3:126,988,757, T>C. VCF-style: chr3-126988757-T-C. GRCh37 (hg19) VCF-style: chr3-126707600-T-C.
Other names: short protein forms V55A.
Identifiers: ClinVar variation 5008588 (VCV005008588.1).

ClinVar aggregate classification (germline): Uncertain significance (1 of 4 stars; one submission).

gnomAD v4.1: 3 of 1,599,160 alleles (0.00019%); highest among the groups gnomAD compares: Non-Finnish European, 0.00026%; no homozygotes.

Submission:

GeneDx
Classification: Uncertain significance. Last evaluated: 2026-03-04. Review status: criteria provided, single submitter. Criteria: GeneDx Variant Classification Process June 2021. Collection method: clinical testing. Allele origin: germline.
Comment: In silico analysis suggests that this missense variant does not alter protein structure/function; Has not been previously published as pathogenic or benign to our knowledge